The following is an entry in ClinVar:

NM_000038.6(APC):c.6944A>G (p.Gln2315Arg)

Gene: APC (APC regulator of Wnt signaling pathway; plus strand). Cytogenetic location: 5q22.2.
Variant type: single nucleotide variant.
Coding change: c.6944A>G on transcript NM_000038.6 (MANE Select); coding-DNA position 6944, A replaced by G.
Protein change: p.Gln2315Arg; replaces glutamine 2315 with arginine.
Molecular consequence: missense variant.
Genome position (GRCh38, 1-based): chr5:112,842,538, A>G. VCF-style: chr5-112842538-A-G. GRCh37 (hg19) VCF-style: chr5-112178235-A-G.
Other names: c.6944A>G, p.Gln2315Arg (NM_001127510.3, NM_001354895.2); c.6890A>G, p.Gln2297Arg (NM_001127511.3); c.6998A>G, p.Gln2333Arg (NM_001354896.2); c.6974A>G, p.Gln2325Arg (NM_001354897.2); c.6869A>G, p.Gln2290Arg (NM_001354898.2); c.6860A>G, p.Gln2287Arg (NM_001354899.2); c.6821A>G, p.Gln2274Arg (NM_001354900.2); c.6767A>G, p.Gln2256Arg (NM_001354901.2); and 5 more; short protein forms Q2297R, Q2315R, Q2287R, Q2290R, Q2325R, Q2155R, Q2214R, Q2224R.
Identifiers: ClinVar variation 411371 (VCV000411371.56), dbSNP rs1060503273, ClinGen allele CA16036477.

ClinVar aggregate classification (germline): Uncertain significance. Review status: criteria provided, multiple submitters, no conflicts (2 of 4 stars). 6 submissions from 6 submitters: Uncertain significance (6). Last evaluated 2024-12-15.

Conditions:
Hereditary cancer-predisposing syndrome. Also called: Neoplastic Syndromes, Hereditary; Tumor predisposition; Hereditary Cancer Syndrome; Hereditary neoplastic syndrome. Identifiers: Orphanet 140162, MedGen C0027672, MeSH D009386, MONDO:0015356.
Familial adenomatous polyposis 1 (FAP1). Also called: FAMILIAL ADENOMATOUS POLYPOSIS 1, ATTENUATED; POLYPOSIS, ADENOMATOUS INTESTINAL. Identifiers: MedGen C2713442, MONDO:0021056, OMIM 175100. Disease mechanism: loss of function.

Allele frequency attached by ClinVar (database versions not stated): gnomAD exomes below 0.00001.
gnomAD v4.1: 2 of 1,614,064 alleles (0.00012%); highest among the groups gnomAD compares: Non-Finnish European, 0.000085%; no homozygotes.

Submissions (6):

Labcorp Genetics (formerly Invitae), Labcorp
Classification: Uncertain significance for Familial adenomatous polyposis 1. Last evaluated: 2024-12-15. Review status: criteria provided, single submitter. Criteria: Invitae Variant Classification Sherloc (09022015). Collection method: clinical testing. Allele origin: germline.
Comment: This sequence change replaces glutamine, which is neutral and polar, with arginine, which is basic and polar, at codon 2315 of the APC protein (p.Gln2315Arg). This variant is present in population databases (no rsID available, gnomAD no frequency). This variant has not been reported in the literature in individuals affected with APC-related conditions. ClinVar contains an entry for this variant (Variation ID: 411371). Invitae Evidence Modeling of protein sequence and biophysical properties (such as structural, functional, and spatial information, amino acid conservation, physicochemical variation, residue mobility, and thermodynamic stability) indicates that this missense variant is not expected to disrupt APC protein function with a negative predictive value of 95%. In summary, the available evidence is currently insufficient to determine the role of this variant in disease. Therefore, it has been classified as a Variant of Uncertain Significance.

Ambry Genetics
Classification: Uncertain significance for Hereditary cancer-predisposing syndrome. Last evaluated: 2024-01-17. Review status: criteria provided, single submitter. Criteria: Ambry Variant Classification Scheme 2023. Collection method: clinical testing. Allele origin: germline.
Comment: The p.Q2315R variant (also known as c.6944A>G), located in coding exon 15 of the APC gene, results from an A to G substitution at nucleotide position 6944. The glutamine at codon 2315 is replaced by arginine, an amino acid with highly similar properties. This amino acid position is highly conserved in available vertebrate species. In addition, in silico predictors for this gene do not accurately predict pathogenicity. Since supporting evidence is limited at this time, the clinical significance of this alteration remains unclear.

Color Diagnostics, LLC DBA Color Health
Classification: Uncertain significance for Hereditary cancer-predisposing syndrome. Last evaluated: 2021-12-06. Review status: criteria provided, single submitter. Criteria: ACMG Guidelines, 2015. Collection method: clinical testing. Allele origin: germline.
Comment: This missense variant replaces glutamine with arginine at codon 2315 of the APC protein. Computational prediction suggests that this variant may not impact protein structure and function (internally defined REVEL score threshold <= 0.5, PMID: 27666373). To our knowledge, functional studies have not been reported for this variant. This variant has not been reported in individuals affected with hereditary cancer in the literature. This variant has been identified in 1/250942 chromosomes in the general population by the Genome Aggregation Database (gnomAD). The available evidence is insufficient to determine the role of this variant in disease conclusively. Therefore, this variant is classified as a Variant of Uncertain Significance.

Institute for Clinical Genetics, University Hospital TU Dresden, University Hospital TU Dresden
Classification: Uncertain significance. Last evaluated: 2021-11-03. Review status: criteria provided, single submitter. Criteria: ACMG Guidelines, 2015. Collection method: clinical testing. Allele origin: germline.

Blueprint Genetics
Classification: Uncertain significance. Last evaluated: 2021-08-31. Review status: criteria provided, single submitter. Criteria: ACMG Guidelines, 2015. Collection method: clinical testing. Allele origin: germline.

Women's Health and Genetics/Laboratory Corporation of America, LabCorp
Classification: Uncertain significance. Last evaluated: 2019-11-11. Review status: criteria provided, single submitter. Criteria: LabCorp Variant Classification Summary - May 2015. Collection method: clinical testing. Allele origin: germline.
Comment: Variant summary: APC c.6944A>G (p.Gln2315Arg) results in a conservative amino acid change located in the Adenomatous polyposis coli protein basic domain (IPR009234) of the encoded protein sequence. Three of five in-silico tools predict a damaging effect of the variant on protein function. The variant allele was found at a frequency of 4e-06 in 250942 control chromosomes. The available data on variant occurrences in the general population are insufficient to allow any conclusion about variant significance. To our knowledge, no occurrence of c.6944A>G in individuals affected with Familial Adenomatous Polyposis and no experimental evidence demonstrating its impact on protein function have been reported. One clinical diagnostic laboratory has submitted clinical-significance assessments for this variant to ClinVar after 2014 without evidence for independent evaluation and classified the variant as uncertain significance. Based on the evidence outlined above, the variant was classified as uncertain significance.